The following is an entry in ClinVar:

ClinVar aggregate classification (germline): Uncertain significance. Review status: criteria provided, multiple submitters, no conflicts (2 of 4 stars). 5 submissions from 5 submitters: Uncertain significance (5). Last evaluated 2024-09-23.

Conditions:
Hereditary cancer-predisposing syndrome. Also called: Tumor predisposition; Neoplastic Syndromes, Hereditary; Hereditary Cancer Syndrome; Hereditary neoplastic syndrome. Identifiers: Orphanet 140162, MedGen C0027672, MeSH D009386, MONDO:0015356.
Hereditary diffuse gastric adenocarcinoma (HDGC). Also called: DIFFUSE GASTRIC AND LOBULAR BREAST CANCER SYNDROME. Identifiers: Orphanet 26106, MedGen C1708349, MONDO:0007648, OMIM 137215.
Familial cancer of breast. Also called: BREAST CANCER, FAMILIAL; hereditary breast carcinoma; Hereditary breast cancer. Identifiers: Orphanet 227535, MedGen C0346153, MONDO:0016419, OMIM 114480. Disease mechanism: loss of function.

Allele frequency attached by ClinVar (database versions not stated): gnomAD exomes below 0.00001; TOPMed below 0.00001; gnomAD 0.00001.
gnomAD v4.1: 4 of 1,613,926 alleles (0.00025%); highest among the groups gnomAD compares: South Asian, 0.0011%; no homozygotes.

Submissions (5):

Labcorp Genetics (formerly Invitae), Labcorp
Classification: Uncertain significance for Hereditary diffuse gastric adenocarcinoma. Last evaluated: 2024-09-23. Review status: criteria provided, single submitter. Criteria: Invitae Variant Classification Sherloc (09022015). Collection method: clinical testing. Allele origin: germline.
Comment: This sequence change replaces alanine, which is neutral and non-polar, with threonine, which is neutral and polar, at codon 634 of the CDH1 protein (p.Ala634Thr). This variant is not present in population databases (gnomAD no frequency). This variant has not been reported in the literature in individuals affected with CDH1-related conditions. ClinVar contains an entry for this variant (Variation ID: 406658). An algorithm developed to predict the effect of missense changes on protein structure and function (PolyPhen-2) suggests that this variant is likely to be tolerated. This variant disrupts the p.Ala634 amino acid residue in CDH1. Other variant(s) that disrupt this residue have been determined to be pathogenic (PMID: 12588804, 17545690; internal data). This suggests that this residue is clinically significant, and that variants that disrupt this residue are likely to be disease-causing. In summary, the available evidence is currently insufficient to determine the role of this variant in disease. Therefore, it has been classified as a Variant of Uncertain Significance.

Ambry Genetics
Classification: Uncertain significance for Hereditary cancer-predisposing syndrome. Last evaluated: 2024-08-20. Review status: criteria provided, single submitter. Criteria: Ambry Variant Classification Scheme 2023. Collection method: clinical testing. Allele origin: germline.
Comment: The p.A634T variant (also known as c.1900G>A), located in coding exon 12 of the CDH1 gene, results from a G to A substitution at nucleotide position 1900. The alanine at codon 634 is replaced by threonine, an amino acid with similar properties. This amino acid position is well conserved in available vertebrate species. In addition, this alteration is predicted to be tolerated by in silico analysis. Based on the available evidence, the clinical significance of this variant remains unclear.

Color Diagnostics, LLC DBA Color Health
Classification: Uncertain significance for Hereditary cancer-predisposing syndrome. Last evaluated: 2024-05-13. Review status: criteria provided, single submitter. Criteria: ACMG Guidelines, 2015. Collection method: clinical testing. Allele origin: germline.
Comment: This missense variant replaces alanine with threonine at codon 634 of the CDH1 protein. To our knowledge, functional studies have not been reported for this variant. This variant has not been reported in individuals affected with CDH1-related disease in the literature. A different missense variant at this codon, c.1901C>T (p.Ala634Val), is considered disease-causing in ClinVar with reported impact on the variant protein and mRNA splicing (ClinVar variation ID: 12244). However, this variant c.1900G>A (p.Ala634Thr) is not predicted to impact protein function or mRNA splicing. This variant has not been identified in the general population by the Genome Aggregation Database (gnomAD). The available evidence is insufficient to determine the role of this variant in disease conclusively. Therefore, this variant is classified as a Variant of Uncertain Significance.

Baylor Genetics
Classification: Uncertain significance for Familial cancer of breast. Last evaluated: 2024-03-25. Review status: criteria provided, single submitter. Criteria: ACMG Guidelines, 2015. Collection method: clinical testing. Allele origin: unknown.

GeneDx
Classification: Uncertain significance. Last evaluated: 2015-04-22. Review status: criteria provided, single submitter. Criteria: GeneDx Variant Classification (06012015). Collection method: clinical testing. Allele origin: germline. Affected: yes.
Comment: This variant is denoted CDH1 c.1900G>A at the cDNA level, p.Ala634Thr (A634T) at the protein level, and results in the change of an Alanine to a Threonine (GCG>ACG). This variant has not, to our knowledge, been published in the literature as pathogenic or benign. CDH1 Ala634Thr was not observed in approximately 6,500 individuals of European and African American ancestry in the NHLBI Exome Sequencing Project, indicating it is not a common benign variant in these populations. Since Alanine and Threonine differ in polarity, charge, size or other properties, this is considered a non-conservative amino acid substitution. CDH1 Ala634Thr occurs at a position that is conserved through mammals and is located in the Cadherin 5 and Extracellular domains (UniProt, Figueiredo 2013). In silico analyses are inconsistent regarding the effect this variant may have on protein structure and function. Based on currently available information, it is unclear whether CDH1 Ala634Thr is pathogenic or benign. We consider it to be a variant of uncertain significance.

Literature cited by the submitters: PubMed 12588804 (cited by Labcorp Genetics (formerly Invitae), Labcorp); PubMed 17545690 (cited by Labcorp Genetics (formerly Invitae), Labcorp).

NM_004360.5(CDH1):c.1900G>A (p.Ala634Thr)

Gene: CDH1 (cadherin 1; plus strand). Cytogenetic location: 16q22.1.
Variant type: single nucleotide variant.
Coding change: c.1900G>A on transcript NM_004360.5 (MANE Select); coding-DNA position 1900, G replaced by A.
Protein change: p.Ala634Thr; replaces alanine 634 with threonine.
Molecular consequence: missense variant. On other transcripts: 5 prime UTR variant (1).
Genome position (GRCh38, 1-based): chr16:68,822,189, G>A. VCF-style: chr16-68822189-G-A. GRCh37 (hg19) VCF-style: chr16-68856092-G-A.
Other names: c.1900G>A (LRG_301t1); c.1717G>A, p.Ala573Thr (NM_001317184.2); c.352G>A, p.Ala118Thr (NM_001317185.2); c.-66G>A (NM_001317186.2); short protein forms A634T, A118T, A573T.
Identifiers: ClinVar variation 406658 (VCV000406658.19), dbSNP rs1060501240, ClinGen allele CA16615256.